The following is an entry in ClinVar:

NM_002335.4(LRP5):c.884-2A>G

Gene: LRP5 (LDL receptor related protein 5; plus strand). Cytogenetic location: 11q13.2.
Variant type: single nucleotide variant.
Coding change: c.884-2A>G on transcript NM_002335.4 (MANE Select); the canonical splice acceptor site of the intron before coding-DNA position 884, A replaced by G.
Molecular consequence: splice acceptor variant.
Genome position (GRCh38, 1-based): chr11:68,365,569, A>G. VCF-style: chr11-68365569-A-G. GRCh37 (hg19) VCF-style: chr11-68133037-A-G.
Other names: c.-882-2A>G (NM_001291902.2).
Identifiers: ClinVar variation 1702028 (VCV001702028.5), dbSNP rs2153140527, ClinGen allele CA381611335.

ClinVar aggregate classification (germline): Likely pathogenic. Review status: criteria provided, multiple submitters, no conflicts (2 of 4 stars). 2 submissions from 2 submitters: Likely pathogenic (2). Last evaluated 2024-02-23.

Conditions:
Osteogenesis imperfecta (OI). Identifiers: Orphanet 666, MedGen C0029434, MeSH D010013, MONDO:0019019.

Submissions (2):

Labcorp Genetics (formerly Invitae), Labcorp
Classification: Likely pathogenic. Last evaluated: 2024-02-23. Review status: criteria provided, single submitter. Criteria: Invitae Variant Classification Sherloc (09022015). Collection method: clinical testing. Allele origin: germline.
Comment: This sequence change affects an acceptor splice site in intron 4 of the LRP5 gene. It is expected to disrupt RNA splicing. Variants that disrupt the donor or acceptor splice site typically lead to a loss of protein function (PMID: 16199547), and loss-of-function variants in LRP5 are known to be pathogenic (PMID: 11719191, 16252235, 25711638). This variant is not present in population databases (gnomAD no frequency). This variant has not been reported in the literature in individuals affected with LRP5-related conditions. ClinVar contains an entry for this variant (Variation ID: 1702028). Algorithms developed to predict the effect of sequence changes on RNA splicing suggest that this variant may disrupt the consensus splice site. In summary, the currently available evidence indicates that the variant is pathogenic, but additional data are needed to prove that conclusively. Therefore, this variant has been classified as Likely Pathogenic.

Genome Diagnostics Laboratory, The Hospital for Sick Children
Classification: Likely pathogenic for Osteogenesis imperfecta. Last evaluated: 2020-05-01. Review status: criteria provided, single submitter. Criteria: ACMG Guidelines, 2015. Collection method: clinical testing. Allele origin: germline.

Literature cited by the submitters: PubMed 16199547 (cited by Labcorp Genetics (formerly Invitae), Labcorp); PubMed 11719191 (cited by Labcorp Genetics (formerly Invitae), Labcorp); PubMed 16252235 (cited by Labcorp Genetics (formerly Invitae), Labcorp); PubMed 25711638 (cited by Labcorp Genetics (formerly Invitae), Labcorp).